The following is an entry in ClinVar:

ClinVar aggregate classification (germline): Uncertain significance (1 of 4 stars; one submission).

Conditions:
Intellectual developmental disorder, autosomal dominant 6, with or without seizures. Also called: GRIN2B-related developmental delay, intellectual disability and autism spectrum disorder; Intellectual disability, autosomal dominant 6. Identifiers: Orphanet 589547, MedGen C3151411, MONDO:0013509, OMIM 613970.

Submission:

Institute of Human Genetics, University of Leipzig Medical Center
Classification: Uncertain significance for Intellectual developmental disorder, autosomal dominant 6, with or without seizures. Last evaluated: 2017-04-04. Review status: criteria provided, single submitter. Criteria: ACMG Guidelines, 2015. Collection method: clinical testing. Allele origin: de novo. Affected: yes.
Comment: This variant was identified as de novo (maternity and paternity confirmed).

Literature cited by the submitters: PubMed 28377535.

NM_000834.5(GRIN2B):c.3295del (p.Arg1099fs)

Gene: GRIN2B (glutamate ionotropic receptor NMDA type subunit 2B; minus strand). Cytogenetic location: 12p13.1.
Variant type: Deletion.
Coding change: c.3295del on transcript NM_000834.5 (MANE Select); coding-DNA position 3295, one base deleted (C; older notation c.3295delC).
Protein change: p.Arg1099fs; shifts the reading frame from arginine 1099.
Molecular consequence: frameshift variant.
Genome position (GRCh38, 1-based): chr12:13,563,943, G deleted on the plus strand (C on the coding strand, the reverse complement: GRIN2B is on the minus strand); the first of 3 consecutive G bases (chr12:13,563,943-13,563,945); deleting any one gives the same sequence. VCF-style (leftmost placement, unchanged base first): chr12-13563942-CG-C. GRCh37 (hg19) VCF-style: chr12-13716876-CG-C.
Other names: short protein forms R1099fs.
Identifiers: ClinVar variation 916605 (VCV000916605.1), dbSNP rs1948594989, ClinGen allele CA658785942.